The following is an entry in ClinVar:

ClinVar aggregate classification (germline): Uncertain significance (1 of 4 stars; one submission).

Conditions:
Adenylosuccinate lyase deficiency (ADSLD). Also called: ADSL DEFICIENCY. Identifiers: Orphanet 46, MedGen C0268126, MONDO:0007068, OMIM 103050.

Allele frequency attached by ClinVar (database versions not stated): gnomAD 0.00001; gnomAD exomes 0.00002; TOPMed 0.00002.

Submission:

Labcorp Genetics (formerly Invitae), Labcorp
Classification: Uncertain significance for Adenylosuccinate lyase deficiency. Last evaluated: 2022-08-07. Review status: criteria provided, single submitter. Criteria: Invitae Variant Classification Sherloc (09022015). Collection method: clinical testing. Allele origin: germline.
Comment: This variant occurs in a non-coding region of the ADSL gene. It does not change the encoded amino acid sequence of the ADSL protein. This variant is not present in population databases (gnomAD no frequency). This variant has not been reported in the literature in individuals affected with ADSL-related conditions. Experimental studies and prediction algorithms are not available or were not evaluated, and the functional significance of this variant is currently unknown. In summary, the available evidence is currently insufficient to determine the role of this variant in disease. Therefore, it has been classified as a Variant of Uncertain Significance.

NC_000022.11:g.40346472C>T

Gene: ADSL (adenylosuccinate lyase; plus strand). Cytogenetic location: 22q13.1.
Variant type: single nucleotide variant.
Genome position: GRCh38 VCF-style: chr22-40346472-C-T. GRCh37 (hg19) VCF-style: chr22-40742476-C-T.
Identifiers: ClinVar variation 2201075 (VCV002201075.2), dbSNP rs1163410667, ClinGen allele CA753180115.